The following is an entry in ClinVar:

ClinVar aggregate classification (germline): Uncertain significance (1 of 4 stars; one submission).

Submission:

Labcorp Genetics (formerly Invitae), Labcorp
Classification: Uncertain significance. Last evaluated: 2022-08-19. Review status: criteria provided, single submitter. Criteria: Invitae Variant Classification Sherloc (09022015). Collection method: clinical testing. Allele origin: germline.
Comment: Algorithms developed to predict the effect of missense changes on protein structure and function (SIFT, PolyPhen-2, Align-GVGD) all suggest that this variant is likely to be disruptive. In summary, the available evidence is currently insufficient to determine the role of this variant in disease. Therefore, it has been classified as a Variant of Uncertain Significance. This variant has not been reported in the literature in individuals affected with GDF5-related conditions. This variant is not present in population databases (gnomAD no frequency). This sequence change replaces serine, which is neutral and polar, with phenylalanine, which is neutral and non-polar, at codon 455 of the GDF5 protein (p.Ser455Phe).

NM_000557.5(GDF5):c.1364C>T (p.Ser455Phe)

Genes: GDF5 (growth differentiation factor 5; minus strand), GDF5-AS1 (GDF5 antisense RNA 1; plus strand). Cytogenetic location: 20q11.22.
Variant type: single nucleotide variant.
Coding change: c.1364C>T on transcript NM_000557.5 (MANE Select); coding-DNA position 1364, C replaced by T.
Protein change: p.Ser455Phe; replaces serine 455 with phenylalanine.
Molecular consequence: missense variant. On other transcripts: non-coding transcript variant (1).
Genome position (GRCh38, 1-based): chr20:35,434,051, G>A on the plus strand (C>T on the coding strand, the complement: GDF5 is on the minus strand). VCF-style: chr20-35434051-G-A. GRCh37 (hg19) VCF-style: chr20-34021849-G-A.
Other names: c.1364C>T, p.Ser455Phe (NM_001319138.2); short protein forms S455F.
Identifiers: ClinVar variation 1961221 (VCV001961221.5), dbSNP rs2062456177, ClinGen allele CA408738219.